The following is an entry in ClinVar:

NM_017565.4(FAM20A):c.1175G>A (p.Arg392Gln)

Genes: FAM20A (FAM20A golgi associated secretory pathway pseudokinase; minus strand), PRKAR1A (protein kinase cAMP-dependent type I regulatory subunit alpha; plus strand). Cytogenetic location: 17q24.2.
Variant type: single nucleotide variant.
Coding change: c.1175G>A on transcript NM_017565.4 (MANE Select); coding-DNA position 1175, G replaced by A.
Protein change: p.Arg392Gln; replaces arginine 392 with glutamine.
Molecular consequence: missense variant. On other transcripts: non-coding transcript variant (1), intron variant (1).
Genome position (GRCh38, 1-based): chr17:68,540,893, C>T on the plus strand (G>A on the coding strand, the complement: FAM20A is on the minus strand). VCF-style: chr17-68540893-C-T. GRCh37 (hg19) VCF-style: chr17-66537034-C-T.
Other names: c.761G>A, p.Arg254Gln (NM_001243746.2); c.974-10191C>T (NM_001276290.1); short protein forms R392Q, R254Q.
Identifiers: ClinVar variation 949060 (VCV000949060.35), dbSNP rs376802484, ClinGen allele CA8729777.
Genomic context (GRCh38, chr17:68,540,893, plus strand): 5'-GCGTGTGGGGACCTACCTATCAAGAAGTCGAAGATGGCCATGTCGATGACATTGAGGAGC[C>T]GCTGGCTGTTGTTGTACGGGTAGATCTGTTTCACTGTGTCACAGTAAAGGGGATTGACCT-3'
Protein context (NP_060035.2, residues 382-402): KQIYPYNNSQ[Arg392Gln]LLNVIDMAIF

ClinVar aggregate classification (germline): Conflicting classifications of pathogenicity. Review status: criteria provided, conflicting classifications (1 of 4 stars). 5 submissions from 5 submitters: Uncertain significance (4); Benign (1). Last evaluated 2026-10-16.

Conditions:
Inborn genetic diseases. Identifiers: MedGen C0950123, MeSH D030342.
Amelogenesis imperfecta type 1G (AI1G). Also called: ENAMEL-RENAL-GINGIVAL SYNDROME; AMELOGENESIS IMPERFECTA, HYPOPLASTIC, WITH NEPHROCALCINOSIS; Amelogenesis imperfecta nephrocalcinosis; Enamel renal syndrome; Absent enamel, nephrocalcinosis and apparently normal calcium metabolism; Generalized enamel hypoplasia and renal dysfunction. Identifiers: Orphanet 1031, Orphanet 171836, MedGen C2931783, MONDO:0008771, OMIM 204690. Disease mechanism: loss of function.

Allele frequency attached by ClinVar (database versions not stated): gnomAD exomes 0.00013 and 0.00016; gnomAD 0.00016 and 0.00017; 1000 Genomes Project 0.00020; TOPMed 0.00015; 1000 Genomes Project 30x 0.00016; ExAC 0.00027.
gnomAD v4.1: 222 of 1,605,560 alleles (0.014%); highest among the groups gnomAD compares: East Asian, 0.056%; no homozygotes.

Submissions (5):

GeneDx
Classification: Uncertain significance. Last evaluated: 2026-10-16. Review status: criteria provided, single submitter. Criteria: GeneDx Variant Classification Process June 2021. Collection method: clinical testing. Allele origin: germline.
Comment: In silico analysis supports that this missense variant has a deleterious effect on protein structure/function; Has not been previously published as pathogenic or benign to our knowledge

Ambry Genetics
Classification: Uncertain significance for Inborn genetic diseases. Last evaluated: 2025-04-15. Review status: criteria provided, single submitter. Criteria: Ambry Variant Classification Scheme 2023. Collection method: clinical testing. Allele origin: germline.

Labcorp Genetics (formerly Invitae), Labcorp
Classification: Uncertain significance. Last evaluated: 2023-05-26. Review status: criteria provided, single submitter. Criteria: Invitae Variant Classification Sherloc (09022015). Collection method: clinical testing. Allele origin: germline.
Comment: In summary, the available evidence is currently insufficient to determine the role of this variant in disease. Therefore, it has been classified as a Variant of Uncertain Significance. An algorithm developed to predict the effect of missense changes on protein structure and function (PolyPhen-2) suggests that this variant is likely to be disruptive. ClinVar contains an entry for this variant (Variation ID: 949060). This variant has not been reported in the literature in individuals affected with FAM20A-related conditions. This variant is present in population databases (rs376802484, gnomAD 0.1%). This sequence change replaces arginine, which is basic and polar, with glutamine, which is neutral and polar, at codon 392 of the FAM20A protein (p.Arg392Gln).

CeGaT Center for Human Genetics Tuebingen
Classification: Benign. Last evaluated: 2022-06-01. Review status: criteria provided, single submitter. Criteria: CeGaT Center For Human Genetics Tuebingen Variant Classification Criteria Version 2. Collection method: clinical testing. Allele origin: germline. Affected: yes. Observed: 1 variant allele.
Comment: PRKAR1A: BS1, BS2

Fulgent Genetics
Classification: Uncertain significance for Amelogenesis imperfecta type 1G. Last evaluated: 2022-04-23. Review status: criteria provided, single submitter. Criteria: ACMG Guidelines, 2015. Collection method: clinical testing. Allele origin: unknown.